The following is an entry in ClinVar:

NM_198407.2(GHSR):c.75dup (p.Gly26fs)

Gene: GHSR (growth hormone secretagogue receptor; minus strand). Cytogenetic location: 3q26.31.
Variant type: Duplication.
Coding change: c.75dup on transcript NM_198407.2 (MANE Select); coding-DNA position 75, one base duplicated (C; older notation c.75dupC).
Protein change: p.Gly26fs; shifts the reading frame from glycine 26.
Molecular consequence: frameshift variant.
Genome position (GRCh38, 1-based): chr3:172,448,339, G duplicated on the plus strand (C on the coding strand, the reverse complement: GHSR is on the minus strand); the first of 5 consecutive G bases (chr3:172,448,339-172,448,343); duplicating any one gives the same sequence. VCF-style (leftmost placement, unchanged base first): chr3-172448338-C-CG. GRCh37 (hg19) VCF-style: chr3-172166128-C-CG.
Other names: c.75dup, p.Gly26fs (NM_004122.2); short protein forms G26fs.
Identifiers: ClinVar variation 1683614 (VCV001683614.2), dbSNP rs2108426663, ClinGen allele CA2573136823.

ClinVar aggregate classification (germline): Uncertain significance (1 of 4 stars; one submission).

Conditions:
Short stature due to growth hormone secretagogue receptor deficiency (GHDP). Also called: Short stature due to GHSR deficiency. Identifiers: Orphanet 314811, MedGen C5887324, MONDO:0014403, OMIM 615925.

Submission:

Laboratorio de Genetica e Diagnostico Molecular, Hospital Israelita Albert Einstein
Classification: Uncertain significance for Short stature due to growth hormone secretagogue receptor deficiency. Last evaluated: 2022-01-05. Review status: criteria provided, single submitter. Criteria: ACMG Guidelines, 2015. Collection method: clinical testing. Allele origin: germline. Affected: yes.
Comment: ACMG classification criteria: PVS1 moderate, PM2 moderate